The following is an entry in ClinVar:

ClinVar aggregate classification (germline): Uncertain significance (1 of 4 stars; one submission).

Submission:

Ambry Genetics
Classification: Uncertain significance. Last evaluated: 2026-08-08. Review status: criteria provided, single submitter. Criteria: Ambry Variant Classification Scheme 2023. Collection method: clinical testing. Allele origin: germline.
Comment: The p.Q1438K variant (also known as c.4312C>A), located in coding exon 14 of the CDK12 gene, results from a C to A substitution at nucleotide position 4312. The glutamine at codon 1438 is replaced by lysine, an amino acid with similar properties. This amino acid position is conserved. In addition, this alteration is predicted to be tolerated by in silico analysis. Based on the available evidence, the clinical significance of this variant remains unclear.

NM_016507.4(CDK12):c.4312C>A (p.Gln1438Lys)

Gene: CDK12 (cyclin dependent kinase 12; plus strand). Cytogenetic location: 17q12.
Variant type: single nucleotide variant.
Coding change: c.4312C>A on transcript NM_016507.4 (MANE Select); coding-DNA position 4312, C replaced by A.
Protein change: p.Gln1438Lys; replaces glutamine 1438 with lysine.
Molecular consequence: missense variant.
Genome position (GRCh38, 1-based): chr17:39,531,155, C>A. VCF-style: chr17-39531155-C-A. GRCh37 (hg19) VCF-style: chr17-37687408-C-A.
Other names: c.4285C>A, p.Gln1429Lys (NM_015083.4); short protein forms Q1429K, Q1438K.
Identifiers: ClinVar variation 5034142 (VCV005034142.1).